The following is an entry in ClinVar:

NM_014846.4(WASHC5):c.1368del (p.Ser458fs)

Gene: WASHC5 (WASH complex subunit 5; minus strand). Cytogenetic location: 8q24.13.
Variant type: Deletion.
Coding change: c.1368del on transcript NM_014846.4 (MANE Select); coding-DNA position 1368, one base deleted (C; older notation c.1368delC).
Protein change: p.Ser458fs; shifts the reading frame from serine 458.
Molecular consequence: frameshift variant.
Genome position (GRCh38, 1-based): chr8:125,063,562, G deleted on the plus strand (C on the coding strand, the reverse complement: WASHC5 is on the minus strand). VCF-style (leftmost placement, unchanged base first): chr8-125063561-AG-A. GRCh37 (hg19) VCF-style: chr8-126075803-AG-A.
Other names: c.924del, p.Ser310fs (NM_001330609.2); short protein forms S458fs, S310fs.
Identifiers: ClinVar variation 2938986 (VCV002938986.3), dbSNP rs2537350339, ClinGen allele CA2740095141.

ClinVar aggregate classification (germline): Pathogenic (1 of 4 stars; one submission).

Conditions:
Hereditary spastic paraplegia 8 (SPG8). Also called: SPASTIC PARAPLEGIA 8, AUTOSOMAL DOMINANT. Identifiers: Orphanet 100989, MedGen C1863704, MONDO:0011339, OMIM 603563.
Ritscher-Schinzel syndrome. Also called: CRANIOCEREBELLOCARDIAC DYSPLASIA. Identifiers: Orphanet 7, MedGen C0796137, MONDO:0019078.

Submission:

Labcorp Genetics (formerly Invitae), Labcorp
Classification: Pathogenic for Ritscher-Schinzel syndrome; Hereditary spastic paraplegia 8. Last evaluated: 2023-05-20. Review status: criteria provided, single submitter. Criteria: Invitae Variant Classification Sherloc (09022015). Collection method: clinical testing. Allele origin: germline.
Comment: For these reasons, this variant has been classified as Pathogenic. This variant has not been reported in the literature in individuals affected with WASHC5-related conditions. This variant is not present in population databases (gnomAD no frequency). This sequence change creates a premature translational stop signal (p.Ser458Glnfs*3) in the WASHC5 gene. It is expected to result in an absent or disrupted protein product. Loss-of-function variants in WASHC5 are known to be pathogenic (PMID: 24065355).

Literature cited by the submitters: PubMed 24065355.